The following is an entry in ClinVar:

NM_004329.3(BMPR1A):c.967T>A (p.Cys323Ser)

Gene: BMPR1A (bone morphogenetic protein receptor type 1A; plus strand). Cytogenetic location: 10q23.2.
Variant type: single nucleotide variant.
Coding change: c.967T>A on transcript NM_004329.3 (MANE Select); coding-DNA position 967, T replaced by A.
Protein change: p.Cys323Ser; replaces cysteine 323 with serine.
Molecular consequence: missense variant.
Genome position (GRCh38, 1-based): chr10:86,919,270, T>A. VCF-style: chr10-86919270-T-A. GRCh37 (hg19) VCF-style: chr10-88679027-T-A.
Other names: short protein forms C323S.
Identifiers: ClinVar variation 233947 (VCV000233947.11), dbSNP rs876660750, ClinGen allele CA10578892.

ClinVar aggregate classification (germline): Uncertain significance. Review status: criteria provided, multiple submitters, no conflicts (2 of 4 stars). 4 submissions from 4 submitters: Uncertain significance (4). Last evaluated 2025-12-08.

Conditions:
Hereditary cancer-predisposing syndrome. Also called: Tumor predisposition; Hereditary Cancer Syndrome; Hereditary neoplastic syndrome; Neoplastic Syndromes, Hereditary. Identifiers: Orphanet 140162, MedGen C0027672, MeSH D009386, MONDO:0015356.
Juvenile polyposis syndrome (JPS). Identifiers: Orphanet 2929, MedGen C0345893, MONDO:0017380, OMIM 174900.

Submissions (4):

Color Diagnostics, LLC DBA Color Health
Classification: Uncertain significance for Hereditary cancer-predisposing syndrome. Last evaluated: 2025-12-08. Review status: criteria provided, single submitter. Criteria: ACMG Guidelines, 2015. Collection method: clinical testing. Allele origin: germline.
Comment: This missense variant replaces cysteine with serine at codon 323 of the BMPR1A protein. Computational prediction suggests that this variant may not impact protein structure and function. To our knowledge, functional studies have not been reported for this variant. This variant has not been reported in individuals affected with BMPR1A-related disorders in the literature. This variant has not been identified in the general population by the Genome Aggregation Database (gnomAD). The available evidence is insufficient to determine the role of this variant in disease conclusively. Therefore, this variant is classified as a Variant of Uncertain Significance.

Ambry Genetics
Classification: Uncertain significance for Hereditary cancer-predisposing syndrome. Last evaluated: 2024-04-25. Review status: criteria provided, single submitter. Criteria: Ambry Variant Classification Scheme 2023. Collection method: clinical testing. Allele origin: germline.
Comment: The p.C323S variant (also known as c.967T>A), located in coding exon 8 of the BMPR1A gene, results from a T to A substitution at nucleotide position 967. The cysteine at codon 323 is replaced by serine, an amino acid with dissimilar properties. This amino acid position is well conserved in available vertebrate species. In addition, this alteration is predicted to be tolerated by in silico analysis. Based on the available evidence, the clinical significance of this variant remains unclear.

Labcorp Genetics (formerly Invitae), Labcorp
Classification: Uncertain significance for Juvenile polyposis syndrome. Last evaluated: 2024-01-10. Review status: criteria provided, single submitter. Criteria: Invitae Variant Classification Sherloc (09022015). Collection method: clinical testing. Allele origin: germline.
Comment: This sequence change replaces cysteine, which is neutral and slightly polar, with serine, which is neutral and polar, at codon 323 of the BMPR1A protein (p.Cys323Ser). This variant is not present in population databases (gnomAD no frequency). This variant has not been reported in the literature in individuals affected with BMPR1A-related conditions. ClinVar contains an entry for this variant (Variation ID: 233947). Advanced modeling of protein sequence and biophysical properties (such as structural, functional, and spatial information, amino acid conservation, physicochemical variation, residue mobility, and thermodynamic stability) performed at Invitae indicates that this missense variant is not expected to disrupt BMPR1A protein function with a negative predictive value of 80%. In summary, the available evidence is currently insufficient to determine the role of this variant in disease. Therefore, it has been classified as a Variant of Uncertain Significance.

All of Us Research Program, National Institutes of Health
Classification: Uncertain significance for Juvenile polyposis syndrome. Last evaluated: 2023-11-02. Review status: criteria provided, single submitter. Criteria: ACMG Guidelines, 2015. Collection method: clinical testing. Allele origin: germline. Inheritance: Autosomal dominant inheritance. Observed: 1 variant allele, 1 heterozygote.
Comment: This missense variant replaces cysteine with serine at codon 323 of the BMPR1A protein. Computational prediction suggests that this variant may not impact protein structure and function (internally defined REVEL score threshold <= 0.5, PMID: 27666373). To our knowledge, functional studies have not been reported for this variant. This variant has not been reported in individuals affected with BMPR1A-related disorders in the literature. This variant has not been identified in the general population by the Genome Aggregation Database (gnomAD). The available evidence is insufficient to determine the role of this variant in disease conclusively. Therefore, this variant is classified as a Variant of Uncertain Significance.

This study involves interpretation of variants in research participants for the purpose of population health screening. Participant phenotype was not available at the time of variant classification. Additional details can be found in publication PMID: 35346344, PMCID: PMC8962531